The following is an entry in ClinVar:

ClinVar aggregate classification (germline): Pathogenic (1 of 4 stars; one submission).

Conditions:
Autosomal dominant epilepsy with auditory features. Identifiers: Orphanet 101046, MedGen C1838062, MONDO:0010898.

Submission:

Labcorp Genetics (formerly Invitae), Labcorp
Classification: Pathogenic for Autosomal dominant epilepsy with auditory features. Last evaluated: 2021-03-05. Review status: criteria provided, single submitter. Criteria: Invitae Variant Classification Sherloc (09022015). Collection method: clinical testing. Allele origin: germline.
Comment: For these reasons, this variant has been classified as Pathogenic. A different nonsense variant that is further downstream (p.Arg474*) has been shown to segregate with disease and determined to be pathogenic (PMID: 11978770, 15349881). This suggests that a domain critical for LGI1 protein function is likely disrupted in these variants. This variant has not been reported in the literature in individuals with LGI1-related disease. This variant is not present in population databases (ExAC no frequency). This sequence change results in a premature translational stop signal in the LGI1 gene (p.Leu419*). While this is not anticipated to result in nonsense mediated decay, it is expected to delete the last 139 amino acids of the LGI1 protein.

Literature cited by the submitters: PubMed 11978770; PubMed 15349881.

NM_005097.4(LGI1):c.1256T>G (p.Leu419Ter)

Gene: LGI1 (leucine rich glioma inactivated 1; plus strand). Cytogenetic location: 10q23.33.
Variant type: single nucleotide variant.
Coding change: c.1256T>G on transcript NM_005097.4 (MANE Select); coding-DNA position 1256, T replaced by G.
Protein change: p.Leu419Ter; replaces leucine 419 with a stop codon.
Molecular consequence: nonsense. On other transcripts: non-coding transcript variant (1), intron variant (1).
Genome position (GRCh38, 1-based): chr10:93,797,385, T>G. VCF-style: chr10-93797385-T-G. GRCh37 (hg19) VCF-style: chr10-95557142-T-G.
Other names: c.1112T>G, p.Leu371Ter (NM_001308276.2); c.839-364T>G (NM_001308275.2); short protein forms L419*, L371*.
Identifiers: ClinVar variation 464744 (VCV000464744.10), dbSNP rs1554907787, ClinGen allele CA377628672.